The following is an entry in ClinVar:

NM_004304.5(ALK):c.4658C>G (p.Ala1553Gly)

Gene: ALK (ALK receptor tyrosine kinase; minus strand). Cytogenetic location: 2p23.2.
Variant type: single nucleotide variant.
Coding change: c.4658C>G on transcript NM_004304.5 (MANE Select); coding-DNA position 4658, C replaced by G.
Protein change: p.Ala1553Gly; replaces alanine 1553 with glycine.
Molecular consequence: missense variant.
Genome position (GRCh38, 1-based): chr2:29,193,429, G>C on the plus strand (C>G on the coding strand, the complement: ALK is on the minus strand). VCF-style: chr2-29193429-G-C. GRCh37 (hg19) VCF-style: chr2-29416295-G-C.
Other names: c.1454C>G, p.Ala485Gly (NM_001353765.2); short protein forms A1553G, A485G.
Identifiers: ClinVar variation 538207 (VCV000538207.13), dbSNP rs1553386898, ClinGen allele CA346460512.

ClinVar aggregate classification (germline): Uncertain significance. Review status: criteria provided, multiple submitters, no conflicts (2 of 4 stars). 3 submissions from 3 submitters: Uncertain significance (2). 1 of the submissions does not count toward it. Last evaluated 2026-01-27.

Conditions:
Neuroblastoma, susceptibility to, 3. Also called: ALK-Related Neuroblastic Tumor Susceptibility. Identifiers: Orphanet 635, MedGen C2751681, MONDO:0013083, OMIM 613014.
Hereditary cancer-predisposing syndrome. Also called: Neoplastic Syndromes, Hereditary; Tumor predisposition; Hereditary Cancer Syndrome; Hereditary neoplastic syndrome. Identifiers: Orphanet 140162, MedGen C0027672, MeSH D009386, MONDO:0015356.

Allele frequency attached by ClinVar (database versions not stated): TOPMed below 0.00001; gnomAD 0.00001.
gnomAD v4.1: 2 of 1,614,074 alleles (0.00012%); highest among the groups gnomAD compares: Non-Finnish European, 0.000085%; no homozygotes.

Submissions (3):

Labcorp Genetics (formerly Invitae), Labcorp
Classification: Uncertain significance for Neuroblastoma, susceptibility to, 3. Last evaluated: 2026-01-27. Review status: criteria provided, single submitter. Criteria: Invitae Variant Classification Sherloc (09022015). Collection method: clinical testing. Allele origin: germline.
Comment: This sequence change replaces alanine, which is neutral and non-polar, with glycine, which is neutral and non-polar, at codon 1553 of the ALK protein (p.Ala1553Gly). This variant is not present in population databases (gnomAD no frequency). This variant has not been reported in the literature in individuals affected with ALK-related conditions. ClinVar contains an entry for this variant (Variation ID: 538207). An algorithm developed to predict the effect of missense changes on protein structure and function (PolyPhen-2) suggests that this variant is likely to be tolerated. In summary, the available evidence is currently insufficient to determine the role of this variant in disease. Therefore, it has been classified as a Variant of Uncertain Significance.

Ambry Genetics
Classification: Uncertain significance for Hereditary cancer-predisposing syndrome. Last evaluated: 2024-05-10. Review status: criteria provided, single submitter. Criteria: Ambry Variant Classification Scheme 2023. Collection method: clinical testing. Allele origin: germline.
Comment: The p.A1553G variant (also known as c.4658C>G), located in coding exon 29 of the ALK gene, results from a C to G substitution at nucleotide position 4658. The alanine at codon 1553 is replaced by glycine, an amino acid with similar properties. This amino acid position is conserved. In addition, this alteration is predicted to be tolerated by in silico analysis. Since supporting evidence is limited at this time, the clinical significance of this alteration remains unclear.

Department of Pathology and Laboratory Medicine, Sinai Health System
Classification: Uncertain significance. Review status: no assertion criteria provided. Collection method: clinical testing. Allele origin: unknown. Affected: yes. Study: The Canadian Open Genetics Repository (COGR). Not counted in ClinVar's aggregate classification.
Comment: The ALK p.Ala1553Gly variant was not identified in the literature nor was it identified in dbSNP, Cosmic or LOVD 3.0. The variant was identified in ClinVar (classified as a VUS by Invitae). The variant was not identified in the following control databases: the 1000 Genomes Project, the NHLBI GO Exome Sequencing Project, the Exome Aggregation Consortium (August 8th 2016), or the Genome Aggregation Database (March 6, 2019, v2.1.1). The p.Ala1553 residue is not conserved in mammals and four out of five computational analyses (PolyPhen-2, SIFT, AlignGVGD, BLOSUM, MutationTaster) do not suggest a high likelihood of impact to the protein; however, this information is not predictive enough to rule out pathogenicity. The variant occurs outside of the splicing consensus sequence and three of four in silico or computational prediction software programs (SpliceSiteFinder, MaxEntScan, NNSPLICE, GeneSplicer) do not predict a greater than 10% difference in splicing; this is not very predictive of pathogenicity. In summary, based on the above information the clinical significance of this variant cannot be determined with certainty at this time. This variant is classified as a variant of uncertain significance.